The following is an entry in ClinVar:

NM_000179.3(MSH6):c.1272C>A (p.Val424=)

Gene: MSH6 (mutS homolog 6; plus strand). Cytogenetic location: 2p16.3.
Variant type: single nucleotide variant.
Coding change: c.1272C>A on transcript NM_000179.3 (MANE Select); coding-DNA position 1272, C replaced by A.
Protein change: p.Val424=; no amino-acid change (valine 424 retained).
Molecular consequence: synonymous variant.
Genome position (GRCh38, 1-based): chr2:47,799,255, C>A. VCF-style: chr2-47799255-C-A. GRCh37 (hg19) VCF-style: chr2-48026394-C-A.
Other names: c.882C>A, p.Val294= (NM_001281492.2); c.366C>A, p.Val122= (NM_001281493.2, NM_001281494.2).
Identifiers: ClinVar variation 480917 (VCV000480917.14), dbSNP rs63751452, ClinGen allele CA426120889.

ClinVar aggregate classification (germline): Benign/Likely benign. Review status: criteria provided, multiple submitters, no conflicts (2 of 4 stars). 3 submissions from 3 submitters: Benign (1); Likely benign (2). Last evaluated 2024-12-23.

Conditions:
Hereditary nonpolyposis colorectal neoplasms. Identifiers: MedGen C0009405, MeSH D003123.
Hereditary cancer-predisposing syndrome. Also called: Hereditary Cancer Syndrome; Neoplastic Syndromes, Hereditary; Tumor predisposition; Hereditary neoplastic syndrome. Identifiers: Orphanet 140162, MedGen C0027672, MeSH D009386, MONDO:0015356.
Lynch syndrome 5 (LYNCH5). Also called: Colorectal cancer, hereditary nonpolyposis, type 5; Hereditary non-polyposis colorectal cancer, type 5. Identifiers: Orphanet 144, MedGen C1833477, MONDO:0013710, OMIM 614350. Disease mechanism: loss of function.

Submissions (3):

Myriad Genetics, Inc.
Classification: Benign for Lynch syndrome 5. Last evaluated: 2024-12-23. Review status: criteria provided, single submitter. Criteria: Myriad Autosomal Dominant, Autosomal Recessive and X-Linked Classification Criteria (2023). Collection method: clinical testing. Allele origin: unknown.
Comment: This variant is considered benign. This variant is a silent/synonymous amino acid change and it is not expected to impact splicing.

Labcorp Genetics (formerly Invitae), Labcorp
Classification: Likely benign for Hereditary nonpolyposis colorectal neoplasms. Last evaluated: 2023-11-21. Review status: criteria provided, single submitter. Criteria: Invitae Variant Classification Sherloc (09022015). Collection method: clinical testing. Allele origin: germline.

Ambry Genetics
Classification: Likely benign for Hereditary cancer-predisposing syndrome. Last evaluated: 2016-01-20. Review status: criteria provided, single submitter. Criteria: Ambry Variant Classification Scheme 2023. Collection method: clinical testing. Allele origin: germline.